The following is an entry in ClinVar:

NM_000321.3(RB1):c.-105T>C

Gene: RB1 (RB transcriptional corepressor 1; plus strand). Cytogenetic location: 13q14.2.
Variant type: single nucleotide variant.
Coding change: c.-105T>C on transcript NM_000321.3 (MANE Select); 105 bases upstream of the start codon, T replaced by C.
Molecular consequence: 5 prime UTR variant.
Genome position (GRCh38, 1-based): chr13:48,303,808, T>C. VCF-style: chr13-48303808-T-C. GRCh37 (hg19) VCF-style: chr13-48877944-T-C.
Other names: c.-105T>C (NM_001407165.1, NM_001407166.1, NM_001407167.1).
Identifiers: ClinVar variation 3671301 (VCV003671301.2).

ClinVar aggregate classification (germline): Uncertain significance (1 of 4 stars; one submission).

Conditions:
Retinoblastoma (RB1). Also called: RETINOBLASTOMA, SOMATIC. Identifiers: Orphanet 790, MedGen C0035335, MeSH D012175, MONDO:0008380, OMIM 180200, HP:0009919. Disease mechanism: loss of function. Inheritance: Both sporadic and heritable forms are tested..

Submission:

Labcorp Genetics (formerly Invitae), Labcorp
Classification: Uncertain significance for Retinoblastoma. Last evaluated: 2024-11-16. Review status: criteria provided, single submitter. Criteria: Invitae Variant Classification Sherloc (09022015). Collection method: clinical testing. Allele origin: germline.
Comment: This variant occurs in a non-coding region of the RB1 gene. It does not change the encoded amino acid sequence of the RB1 protein. This variant is not present in population databases (gnomAD no frequency). This variant has not been reported in the literature in individuals affected with RB1-related conditions. In summary, the available evidence is currently insufficient to determine the role of this variant in disease. Therefore, it has been classified as a Variant of Uncertain Significance.